The following is an entry in ClinVar:

NM_002156.5(HSPD1):c.62A>C (p.His21Pro)

Gene: HSPD1 (heat shock protein family D (Hsp60) member 1; minus strand). Cytogenetic location: 2q33.1.
Variant type: single nucleotide variant.
Coding change: c.62A>C on transcript NM_002156.5 (MANE Select); coding-DNA position 62, A replaced by C.
Protein change: p.His21Pro; replaces histidine 21 with proline.
Molecular consequence: missense variant.
Genome position (GRCh38, 1-based): chr2:197,498,787, T>G on the plus strand (A>C on the coding strand, the complement: HSPD1 is on the minus strand). VCF-style: chr2-197498787-T-G. GRCh37 (hg19) VCF-style: chr2-198363511-T-G.
Other names: c.62A>C, p.His21Pro (NM_199440.2); short protein forms H21P.
Identifiers: ClinVar variation 1058438 (VCV001058438.7), dbSNP rs780655407, ClinGen allele CA2043691.

ClinVar aggregate classification (germline): Uncertain significance (1 of 4 stars; one submission).

Conditions:
Spastic paraplegia. Identifiers: MedGen C0037772, HP:0001258.

Allele frequency attached by ClinVar (database versions not stated): gnomAD exomes below 0.00001; TOPMed below 0.00001; ExAC 0.00001.
gnomAD v4.1: 5 of 1,614,166 alleles (0.00031%); highest among the groups gnomAD compares: Non-Finnish European, 0.00034%; no homozygotes.

Submission:

Labcorp Genetics (formerly Invitae), Labcorp
Classification: Uncertain significance for Spastic paraplegia. Last evaluated: 2014-08-26. Review status: criteria provided, single submitter. Criteria: Invitae Variant Classification Sherloc (09022015). Collection method: clinical testing. Allele origin: germline.
Comment: This sequence change results in the substitution of a Proline for a Histidine at amino acid residue 21 of the HSPD1 protein (p.His21Pro). Algorithms developed to predict the effect of missense changes on protein structure and function (SIFT, MutationTaster, AlignGVGD) do not agree on the potential impact of this missense change. These predictions therefore do not influence the variant classification. In summary, this is a novel missense change with uncertain impact on protein function. It has been classified as a Variant of Uncertain Significance. The His21 residue is not well conserved, and a functional study of a nearby missense sequence change (p.Asp29Gly) suggests that the first 26 amino acids of the HSPD1 protein are not critical for normal function (PMID: 19706612). Experiments testing the impact of this His21Pro change have not been reported. This sequence change has not been published in the literature and is not present in population databases.

Literature cited by the submitters: PubMed 19706612.